The following is an entry in ClinVar:

NM_017636.4(TRPM4):c.3050A>G (p.Asn1017Ser)

Gene: TRPM4 (transient receptor potential cation channel subfamily M member 4; plus strand). Cytogenetic location: 19q13.33.
Variant type: single nucleotide variant.
Coding change: c.3050A>G on transcript NM_017636.4 (MANE Select); coding-DNA position 3050, A replaced by G.
Protein change: p.Asn1017Ser; replaces asparagine 1017 with serine.
Molecular consequence: missense variant.
Genome position (GRCh38, 1-based): chr19:49,202,060, A>G. VCF-style: chr19-49202060-A-G. GRCh37 (hg19) VCF-style: chr19-49705317-A-G.
Other names: c.2615A>G, p.Asn872Ser (NM_001195227.2); c.2705A>G, p.Asn902Ser (NM_001321281.2); c.1442A>G, p.Asn481Ser (NM_001321282.2); c.2528A>G, p.Asn843Ser (NM_001321283.2); c.1988A>G, p.Asn663Ser (NM_001321285.2); c.3050A>G (NM_017636.3); short protein forms N1017S, N481S, N663S, N843S, N872S, N902S.
Identifiers: ClinVar variation 1052357 (VCV001052357.12), dbSNP rs775959152, ClinGen allele CA9569757.

ClinVar aggregate classification (germline): Uncertain significance. Review status: criteria provided, multiple submitters, no conflicts (2 of 4 stars). 3 submissions from 3 submitters: Uncertain significance (3). Last evaluated 2026-01-13.

Conditions:
Cardiovascular phenotype. Identifiers: MedGen CN230736.
Progressive familial heart block type IB (PFHB1B). Identifiers: Orphanet 871, MedGen C1970298, MONDO:0011474, OMIM 604559.

Allele frequency attached by ClinVar (database versions not stated): TOPMed 0.00002; gnomAD exomes 0.00006; gnomAD 0.00001; ExAC 0.00005.
gnomAD v4.1: 47 of 1,613,926 alleles (0.0029%); highest among the groups gnomAD compares: East Asian, 0.018%; no homozygotes.

Submissions (3):

Labcorp Genetics (formerly Invitae), Labcorp
Classification: Uncertain significance for Progressive familial heart block type IB. Last evaluated: 2026-01-13. Review status: criteria provided, single submitter. Criteria: Invitae Variant Classification Sherloc (09022015). Collection method: clinical testing. Allele origin: germline.
Comment: This sequence change replaces asparagine, which is neutral and polar, with serine, which is neutral and polar, at codon 1017 of the TRPM4 protein (p.Asn1017Ser). This variant is present in population databases (rs775959152, gnomAD 0.05%), and has an allele count higher than expected for a pathogenic variant. This variant has not been reported in the literature in individuals affected with TRPM4-related conditions. ClinVar contains an entry for this variant (Variation ID: 1052357). An algorithm developed to predict the effect of missense changes on protein structure and function (PolyPhen-2) suggests that this variant is likely to be disruptive. In summary, the available evidence is currently insufficient to determine the role of this variant in disease. Therefore, it has been classified as a Variant of Uncertain Significance.

Ambry Genetics
Classification: Uncertain significance for Cardiovascular phenotype. Last evaluated: 2025-10-14. Review status: criteria provided, single submitter. Criteria: Ambry Variant Classification Scheme 2023. Collection method: clinical testing. Allele origin: germline.

GeneDx
Classification: Uncertain significance. Last evaluated: 2023-05-19. Review status: criteria provided, single submitter. Criteria: GeneDx Variant Classification Process June 2021. Collection method: clinical testing. Allele origin: germline. Affected: yes.
Comment: Has not been previously published as pathogenic or benign to our knowledge; In silico analysis supports that this missense variant has a deleterious effect on protein structure/function